The following is an entry in ClinVar:

NM_004333.6(BRAF):c.1315-305C>T

Gene: BRAF (B-Raf proto-oncogene, serine/threonine kinase; minus strand). Cytogenetic location: 7q34.
Variant type: single nucleotide variant.
Coding change: c.1315-305C>T on transcript NM_004333.6 (MANE Select); 305 bases into the intron before coding-DNA position 1315, C replaced by T.
Molecular consequence: intron variant.
Genome position (GRCh38, 1-based): chr7:140,781,998, G>A on the plus strand (C>T on the coding strand, the complement: BRAF is on the minus strand). VCF-style: chr7-140781998-G-A. GRCh37 (hg19) VCF-style: chr7-140481798-G-A.
Other names: c.1315-305C>T (NM_001378474.1, NM_001378468.1, NM_001354609.2); c.1213-305C>T (NM_001378470.1); c.1051-305C>T (NM_001378475.1); c.1204-305C>T (NM_001378471.1); c.1435-305C>T (NM_001374258.1, NM_001374244.1); c.1324-305C>T (NM_001378467.1); c.1159-305C>T (NM_001378472.1, NM_001378473.1); c.1249-305C>T (NM_001378469.1).
Identifiers: ClinVar variation 2658026 (VCV002658026.24), dbSNP rs71645970, ClinGen allele CA168090933.
Genomic context (GRCh38, chr7:140,781,998, plus strand): 5'-CTAGGGTACATGTGCACAACTTGCAGGTTTGTTACTTATGTATACATGTGCCATGTTGGT[G>A]TGCTGCACCCATTAACTTGTCATTTACATTAGGTATTTCTCTTAATGCTGTCCCTCTCCC-3'

ClinVar aggregate classification (germline): Benign (1 of 4 stars; one submission).

Allele frequency attached by ClinVar (database versions not stated): 1000 Genomes Project 30x 0.00141; 1000 Genomes Project 0.00160; gnomAD 0.00253; TOPMed 0.00255.
gnomAD v4.1: 384 of 152,060 alleles (0.25%); highest among the groups gnomAD compares: Middle Eastern, 0.68%; no homozygotes.

Submission:

CeGaT Center for Human Genetics Tuebingen
Classification: Benign. Last evaluated: 2022-06-01. Review status: criteria provided, single submitter. Criteria: CeGaT Center For Human Genetics Tuebingen Variant Classification Criteria Version 2. Collection method: clinical testing. Allele origin: germline. Affected: yes. Observed: 2 variant alleles.
Comment: BRAF: BS1, BS2